The following is an entry in ClinVar:

NM_005475.3(SH2B3):c.676C>G (p.Arg226Gly)

Gene: SH2B3 (SH2B adaptor protein 3; plus strand). Cytogenetic location: 12q24.12.
Variant type: single nucleotide variant.
Coding change: c.676C>G on transcript NM_005475.3 (MANE Select); coding-DNA position 676, C replaced by G.
Protein change: p.Arg226Gly; replaces arginine 226 with glycine.
Molecular consequence: missense variant.
Genome position (GRCh38, 1-based): chr12:111,418,821, C>G. VCF-style: chr12-111418821-C-G. GRCh37 (hg19) VCF-style: chr12-111856625-C-G.
Other names: short protein forms R226G.
Identifiers: ClinVar variation 3440742 (VCV003440742.1).
Genomic context (GRCh38, chr12:111,418,821, plus strand): 5'-GCCGACGAGGCCTCCATGGACAGCGGGGCACGCTGGCAGCGCGGGAGGCTGGCGCTGCGC[C>G]GGGCCCCGGGCCCCGATGGCCCCGACCGCGTGCTGGAGCTCTTCGACCCACCCAAGGTAA-3'
Protein context (NP_005466.1, residues 216-236): RWQRGRLALR[Arg226Gly]APGPDGPDRV

ClinVar aggregate classification (germline): Uncertain significance (1 of 4 stars; one submission).

Conditions:
Inborn genetic diseases. Identifiers: MedGen C0950123, MeSH D030342.

gnomAD v4.1: 11 of 1,423,808 alleles (0.00077%); highest among the groups gnomAD compares: Non-Finnish European, 0.00091%; no homozygotes.

Submission:

Ambry Genetics
Classification: Uncertain significance for Inborn genetic diseases. Last evaluated: 2024-11-18. Review status: criteria provided, single submitter. Criteria: Ambry Variant Classification Scheme 2023. Collection method: clinical testing. Allele origin: germline.
Comment: The p.R226G variant (also known as c.676C>G), located in coding exon 1 of the SH2B3 gene, results from a C to G substitution at nucleotide position 676. The arginine at codon 226 is replaced by glycine, an amino acid with dissimilar properties. This amino acid position is conserved. In addition, this alteration is predicted to be tolerated by in silico analysis. Based on the available evidence, the clinical significance of this variant remains unclear.